The following is an entry in ClinVar:

ClinVar aggregate classification (germline): Likely benign. Review status: criteria provided, multiple submitters, no conflicts (2 of 4 stars). 2 submissions from 2 submitters: Likely benign (2). Last evaluated 2021-05-26.

Allele frequency attached by ClinVar (database versions not stated): 1000 Genomes Project 0.00160; 1000 Genomes Project 30x 0.00172; gnomAD 0.01678 and 0.01772.
gnomAD v4.1: 11,953 of 1,334,844 alleles (0.9%); highest among the groups gnomAD compares: Non-Finnish European, 1.1%; 67 homozygotes.

Submissions (2):

GeneDx
Classification: Likely benign. Last evaluated: 2021-05-26. Review status: criteria provided, single submitter. Criteria: GeneDx Variant Classification Process June 2021. Collection method: clinical testing. Allele origin: germline. Affected: yes.
Comment: See Variant Classification Assertion Criteria.

Breakthrough Genomics
Classification: Likely benign. Review status: criteria provided, single submitter. Criteria: ACMG Guidelines, 2015. Collection method: not provided. Allele origin: germline. Inheritance: Autosomal recessive inheritance. Affected: yes.

NM_000215.4(JAK3):c.2978+88G>T

Gene: JAK3 (Janus kinase 3; minus strand). Cytogenetic location: 19p13.11.
Variant type: single nucleotide variant.
Coding change: c.2978+88G>T on transcript NM_000215.4 (MANE Select); 88 bases into the intron after coding-DNA position 2978, G replaced by T.
Molecular consequence: intron variant.
Genome position (GRCh38, 1-based): chr19:17,831,140, C>A on the plus strand (G>T on the coding strand, the complement: JAK3 is on the minus strand). VCF-style: chr19-17831140-C-A. GRCh37 (hg19) VCF-style: chr19-17941949-C-A.
Identifiers: ClinVar variation 1687670 (VCV001687670.3), dbSNP rs527281163, ClinGen allele CA306123536.
Genomic context (GRCh38, chr19:17,831,140, plus strand): 5'-TCTGGGGAGTGGGAGGGGCCAAAGCTGCAGCGGAGGAAGGGCGGGGCTAAGGCTGGGGAG[C>A]AAAGCAGCGGGAGGGGGCGGGGGCATGGCTGGGGGCGGAGCCAGAGCCGTGGGGAATAGG-3'